The following is an entry in ClinVar:

NM_000038.6(APC):c.2846del (p.Met949fs)

Gene: APC (APC regulator of Wnt signaling pathway; plus strand). Cytogenetic location: 5q22.2.
Variant type: Deletion.
Coding change: c.2846del on transcript NM_000038.6 (MANE Select); coding-DNA position 2846, one base deleted (T; older notation c.2846delT).
Protein change: p.Met949fs; shifts the reading frame from methionine 949.
Molecular consequence: frameshift variant. On other transcripts: non-coding transcript variant (2).
Genome position (GRCh38, 1-based): chr5:112,838,440, T deleted. VCF-style (leftmost placement, unchanged base first): chr5-112838439-AT-A. GRCh37 (hg19) VCF-style: chr5-112174136-AT-A.
Other names: c.2846del, p.Met949fs (NM_001127510.3, NM_001354895.2, NM_001407450.1); c.2792del, p.Met931fs (NM_001127511.3); c.2900del, p.Met967fs (NM_001354896.2, NM_001407447.1, NM_001407448.1 and 1 more transcripts); c.2876del, p.Met959fs (NM_001354897.2); c.2771del, p.Met924fs (NM_001354898.2); c.2762del, p.Met921fs (NM_001354899.2); c.2723del, p.Met908fs (NM_001354900.2); c.2669del, p.Met890fs (NM_001354901.2, NM_001407453.1); and 11 more; short protein forms M565fs, M666fs, M789fs, M820fs, M823fs, M848fs, M858fs, M866fs.
Identifiers: ClinVar variation 3390369 (VCV003390369.2).

ClinVar aggregate classification (germline): Pathogenic (1 of 4 stars; one submission).

Conditions:
Familial adenomatous polyposis 1 (FAP1). Also called: FAMILIAL ADENOMATOUS POLYPOSIS 1, ATTENUATED; POLYPOSIS, ADENOMATOUS INTESTINAL. Identifiers: MedGen C2713442, MONDO:0021056, OMIM 175100. Disease mechanism: loss of function.

Submission:

National Molecular Genetics Centre of Cancer Research, N.N. Alexandrov National Cancer Centre of Belarus
Classification: Pathogenic for Familial adenomatous polyposis 1. Review status: criteria provided, single submitter. Criteria: ACMG Guidelines, 2015. Collection method: clinical testing. Allele origin: germline. Inheritance: Autosomal dominant inheritance. Affected: yes.
Comment: This variant was classified as: Pathogenic. The following ACMG 2015 criteria were applied: PVS1 (frameshift), PM2 (absent in Gnomad), PP4 (phenotype and family history).